The following is an entry in ClinVar:

ClinVar aggregate classification (germline): Likely pathogenic. Review status: reviewed by expert panel (3 of 4 stars). 2 submissions from 2 submitters: Likely pathogenic (1). 1 of the submissions does not count toward it. Last evaluated 2022-07-01.

Conditions:
Monogenic diabetes. Identifiers: Orphanet 183625, MedGen C3888631, MONDO:0015967.
Keratoderma-ichthyosis-deafness syndrome, autosomal recessive (KDIDAR). Identifiers: MedGen C5774200, MONDO:0859278, OMIM 620009.

Submissions (2):

ClinGen Monogenic Diabetes Variant Curation Expert Panel
Classification: Likely pathogenic for Monogenic diabetes. Last evaluated: 2022-07-01. Review status: reviewed by expert panel. Criteria: ClinGen Diabetes ACMG Specifications v1 1. Collection method: curation. Allele origin: germline. Inheritance: Autosomal dominant inheritance.
Comment: The c.1786delG variant in the HNF1 homeobox A gene, HNF1A, causes a frameshift in the protein at codon 596 (NM_000545.8), adding 64 novel amino acids before encountering a stop codon (p.(Val596CysfsTer64)). While this variant, located in exon 10 of 10, is not predicted to result in nonsense mediated decay of the transcript, it will significantly disrupt the transactivation domain of the protein (PVS1_Strong). This variant segregated with diabetes with one informative meiosis in a single family; however, this does not meet the thresholds for PP1 set by the ClinGen MDEP (PMID: 27236918, internal lab contributors). In summary, c.1786delG meets the criteria to be classified as likely pathogenic for monogenic diabetes. ACMG/AMP criteria applied, as specified by the ClinGen MDEP (specification version 1.1, approved 9/30/21): PVS1_Strong, PP4, PM2_Supporting.

OMIM
Classification: Pathogenic for KERATODERMA-ICHTHYOSIS-DEAFNESS SYNDROME, AUTOSOMAL RECESSIVE. Last evaluated: 2022-08-18. Review status: no assertion criteria provided. Collection method: literature only. Allele origin: germline. Not counted in ClinVar's aggregate classification.

Literature cited by the submitters: PubMed 30561130 (cited by OMIM).

NM_000545.8(HNF1A):c.1786del (p.Val596fs)

Genes: C12orf43 (chromosome 12 open reading frame 43; minus strand), HNF1A (HNF1 homeobox A; plus strand). Cytogenetic location: 12q24.31.
Variant type: Deletion.
Coding change: c.1786del on transcript NM_000545.8 (MANE Select); coding-DNA position 1786, one base deleted (G; older notation c.1786delG).
Protein change: p.Val596fs; shifts the reading frame from valine 596.
Molecular consequence: frameshift variant. On other transcripts: 3 prime UTR variant (3).
Genome position (GRCh38, 1-based): chr12:121,001,082, G deleted; the last of 2 consecutive G bases (chr12:121,001,081-121,001,082); deleting either gives the same sequence. VCF-style (leftmost placement, unchanged base first): chr12-121001080-TG-T. GRCh37 (hg19) VCF-style: chr12-121438883-TG-T.
Other names: NM_022895.3:c.*3072del; c.1440del (NM_018668.5); c.*3072del (NM_001286191.2, NM_001286196.2, NM_022895.3); c.1807del, p.Val603fs (NM_001306179.2); c.1594del, p.Val532fs (NM_001406915.1); short protein forms V596fs, V603fs, V532fs.
Identifiers: ClinVar variation 1700003 (VCV001700003.2), dbSNP rs2135854461, ClinGen allele CA2573051042.